The following is an entry in ClinVar:

NM_001367561.1(DOCK7):c.4260G>T (p.Thr1420=)

Gene: DOCK7 (dedicator of cytokinesis 7; minus strand). Cytogenetic location: 1p31.3.
Variant type: single nucleotide variant.
Coding change: c.4260G>T on transcript NM_001367561.1 (MANE Select); coding-DNA position 4260, G replaced by T.
Protein change: p.Thr1420=; no amino-acid change (threonine 1420 retained).
Molecular consequence: synonymous variant. On other transcripts: intron variant (4).
Genome position (GRCh38, 1-based): chr1:62,513,466, C>A on the plus strand (G>T on the coding strand, the complement: DOCK7 is on the minus strand). VCF-style: chr1-62513466-C-A. GRCh37 (hg19) VCF-style: chr1-62979137-C-A.
Other names: c.4167G>T, p.Thr1389= (NM_033407.4); c.4162+5G>T (NM_001272001.2, NM_001272000.2); c.4255+5G>T (NM_001271999.2, NM_001330614.2).
Identifiers: ClinVar variation 638877 (VCV000638877.1), dbSNP rs754604342, ClinGen allele CA418010935.

ClinVar aggregate classification (germline): Uncertain significance (1 of 4 stars; one submission).

Conditions:
Developmental and epileptic encephalopathy, 23 (DEE23). Also called: Epileptic encephalopathy, early infantile, 23. Identifiers: Orphanet 411986, MedGen C4014492, MONDO:0014371, OMIM 615859.

gnomAD v4.1: 2 of 1,608,108 alleles (0.00012%); highest among the groups gnomAD compares: East Asian, 0.0045%; no homozygotes.

Submission:

Labcorp Genetics (formerly Invitae), Labcorp
Classification: Uncertain significance for Epileptic encephalopathy, early infantile, 23. Last evaluated: 2018-08-20. Review status: criteria provided, single submitter. Criteria: Invitae Variant Classification Sherloc (09022015). Collection method: clinical testing. Allele origin: germline.
Comment: This sequence change falls in intron 33 of the DOCK7 gene. It does not directly change the encoded amino acid sequence of the DOCK7 protein, but it affects a nucleotide within the consensus splice site of the intron. This variant is not present in population databases (ExAC no frequency). This variant has not been reported in the literature in individuals with DOCK7-related disease. Nucleotide substitutions within the consensus splice site are a relatively common cause of aberrant splicing (PMID: 17576681, 9536098). Algorithms developed to predict the effect of sequence changes on RNA splicing suggest that this variant may disrupt the consensus splice site, but this prediction has not been confirmed by published transcriptional studies. In summary, the available evidence is currently insufficient to determine the role of this variant in disease. Therefore, it has been classified as a Variant of Uncertain Significance.